The following is an entry in ClinVar:

ClinVar aggregate classification (germline): Benign. Review status: criteria provided, multiple submitters, no conflicts (2 of 4 stars). 2 submissions from 2 submitters: Benign (2). Last evaluated 2018-06-19.

Allele frequency attached by ClinVar (database versions not stated): gnomAD exomes 0.07623; gnomAD 0.10627 and 0.11216; TOPMed 0.12486; 1000 Genomes Project 30x 0.21268; 1000 Genomes Project 0.21326.
gnomAD v4.1: 128,210 of 1,598,698 alleles (8%); highest among the groups gnomAD compares: East Asian, 36%; 9,750 homozygotes.

Submissions (2):

GeneDx
Classification: Benign. Last evaluated: 2018-06-19. Review status: criteria provided, single submitter. Criteria: GeneDx Variant Classification (06012015). Collection method: clinical testing. Allele origin: germline. Affected: yes.
Comment: This variant is considered likely benign or benign based on one or more of the following criteria: it is a conservative change, it occurs at a poorly conserved position in the protein, it is predicted to be benign by multiple in silico algorithms, and/or has population frequency not consistent with disease.

Breakthrough Genomics
Classification: Benign. Review status: criteria provided, single submitter. Criteria: ACMG Guidelines, 2015. Collection method: not provided. Allele origin: germline. Inheritance: Autosomal dominant inheritance. Affected: yes.

NM_018943.3(TUBA8):c.1056+53G>A

Gene: TUBA8 (tubulin alpha 8; plus strand). Cytogenetic location: 22q11.21.
Variant type: single nucleotide variant.
Coding change: c.1056+53G>A on transcript NM_018943.3 (MANE Select); 53 bases into the intron after coding-DNA position 1056, G replaced by A.
Molecular consequence: intron variant.
Genome position (GRCh38, 1-based): chr22:18,127,087, G>A. VCF-style: chr22-18127087-G-A. GRCh37 (hg19) VCF-style: chr22-18609854-G-A.
Other names: c.858+53G>A (NM_001193414.2).
Identifiers: ClinVar variation 670257 (VCV000670257.2), dbSNP rs361776, ClinGen allele CA14919788.